The following is an entry in ClinVar:

ClinVar aggregate classification (germline): Uncertain significance. Review status: criteria provided, multiple submitters, no conflicts (2 of 4 stars). 3 submissions from 3 submitters: Uncertain significance (3). Last evaluated 2026-02-09.

Conditions:
Hereditary spastic paraplegia 7 (SPG7). Also called: Spastic paraplegia 7; Hereditary spastic paraplegia Paraplegin type; Autosomal recessive spastic paraplegia type 7; SPASTIC PARAPLEGIA 7, AUTOSOMAL RECESSIVE, WITH OR WITHOUT CEREBELLAR ATAXIA; SPG7-related neurologic disorder. Identifiers: Orphanet 99013, MedGen C1846564, MONDO:0011803, OMIM 607259.

Allele frequency attached by ClinVar (database versions not stated): gnomAD 0.00003; TOPMed 0.00003.
gnomAD v4.1: 62 of 1,613,578 alleles (0.0038%); highest among the groups gnomAD compares: Non-Finnish European, 0.0051%; no homozygotes.

Submissions (3):

GeneDx
Classification: Uncertain significance. Last evaluated: 2026-02-09. Review status: criteria provided, single submitter. Criteria: GeneDx Variant Classification Process June 2021. Collection method: clinical testing. Allele origin: germline. Affected: yes.
Comment: In silico analysis supports that this missense variant has a deleterious effect on protein structure/function; Has not been previously published as pathogenic or benign to our knowledge; This variant is associated with the following publications: (PMID: 22571692)

Labcorp Genetics (formerly Invitae), Labcorp
Classification: Uncertain significance for Hereditary spastic paraplegia 7. Last evaluated: 2024-04-15. Review status: criteria provided, single submitter. Criteria: Invitae Variant Classification Sherloc (09022015). Collection method: clinical testing. Allele origin: germline.
Comment: This sequence change replaces glutamine, which is neutral and polar, with histidine, which is basic and polar, at codon 435 of the SPG7 protein (p.Gln435His). This variant is present in population databases (rs559906913, gnomAD 0.006%). This variant has not been reported in the literature in individuals affected with SPG7-related conditions. ClinVar contains an entry for this variant (Variation ID: 215212). Advanced modeling of protein sequence and biophysical properties (such as structural, functional, and spatial information, amino acid conservation, physicochemical variation, residue mobility, and thermodynamic stability) performed at Invitae indicates that this missense variant is expected to disrupt SPG7 protein function with a positive predictive value of 80%. In summary, the available evidence is currently insufficient to determine the role of this variant in disease. Therefore, it has been classified as a Variant of Uncertain Significance.

Blueprint Genetics
Classification: Uncertain significance. Last evaluated: 2023-09-08. Review status: criteria provided, single submitter. Criteria: ACMG Guidelines, 2015. Collection method: clinical testing. Allele origin: germline.

NM_003119.4(SPG7):c.1305G>T (p.Gln435His)

Gene: SPG7 (SPG7 matrix AAA peptidase subunit, paraplegin; plus strand). Cytogenetic location: 16q24.3.
Variant type: single nucleotide variant.
Coding change: c.1305G>T on transcript NM_003119.4 (MANE Select); coding-DNA position 1305, G replaced by T.
Protein change: p.Gln435His; replaces glutamine 435 with histidine.
Molecular consequence: missense variant.
Genome position (GRCh38, 1-based): chr16:89,532,617, G>T. VCF-style: chr16-89532617-G-T. GRCh37 (hg19) VCF-style: chr16-89599025-G-T.
Other names: p.Q435H:CAG>CAT; c.1305G>T, p.Gln435His (NM_001363850.1, NM_199367.3); short protein forms Q435H.
Identifiers: ClinVar variation 215212 (VCV000215212.5), dbSNP rs559906913, ClinGen allele CA320621.